The following is an entry in ClinVar:

GRCh37/hg19 9p24.3-23(chr9:203861-14103730)x1

Genes: ERMP1 (endoplasmic reticulum metallopeptidase 1; minus strand), MLANA (melan-A; plus strand), PTPRD (protein tyrosine phosphatase receptor type D; minus strand), RFX3 (regulatory factor X3; minus strand), RIC1 (RIC1 homolog, RAB6A GEF complex partner 1; plus strand) and 38 more. Cytogenetic location: 9p24.3-23.
Variant type: copy number loss.
Change: copy number 1 (one copy instead of two) of chr9:203,861-14,103,730 (13.90 Mb, GRCh37 coordinates, 1-based), cytogenetic band 9p24.3-23.
Identifiers: ClinVar variation 815188 (VCV000815188.2).

ClinVar aggregate classification (germline): Pathogenic (1 of 4 stars; one submission).

Submission:

Quest Diagnostics Nichols Institute San Juan Capistrano
Classification: Pathogenic. Last evaluated: 2022-09-23. Review status: criteria provided, single submitter. Criteria: ACMG/ClinGen CNV Guidelines, 2019. Collection method: clinical testing. Allele origin: unknown.
Comment: This terminal deletion at 9p24.3p22.3 is associated with chromosome 9p deletion syndrome (OMIM 158170, Spazzapan et al., Childs Nerv Syst. 2016 Feb;32(2):327-35. PMID: 26597681, Quinonez et al., Am J Med Genet A. 2013 Aug;161A(8):1882-96. PMID: 23824832). Further, deletions of the KANK1 (ANKRD15) gene result in parent-of-origin-dependent inheritance of familial cerebral palsy (inherited on the paternal allele) (Lerer et al., Hum Mol Genet. 2005 Dec 15;14(24):3911-20. PMID: 16301218).